The following is an entry in ClinVar:

NM_001127222.2(CACNA1A):c.548C>T (p.Ala183Val)

Gene: CACNA1A (calcium voltage-gated channel subunit alpha1 A; minus strand). Cytogenetic location: 19p13.13.
Variant type: single nucleotide variant.
Coding change: c.548C>T on transcript NM_001127222.2 (MANE Select); coding-DNA position 548, C replaced by T.
Protein change: p.Ala183Val; replaces alanine 183 with valine.
Molecular consequence: missense variant.
Genome position (GRCh38, 1-based): chr19:13,371,771, G>A on the plus strand (C>T on the coding strand, the complement: CACNA1A is on the minus strand). VCF-style: chr19-13371771-G-A. GRCh37 (hg19) VCF-style: chr19-13482585-G-A.
Other names: c.548C>T, p.Ala183Val (NM_000068.4, NM_001127221.2, NM_001174080.2 and 1 more transcripts); short protein forms A183V.
Identifiers: ClinVar variation 1971068 (VCV001971068.8), dbSNP rs866087553, ClinGen allele CA305562428.

ClinVar aggregate classification (germline): Conflicting classifications of pathogenicity. Review status: criteria provided, conflicting classifications (1 of 4 stars). 3 submissions from 3 submitters: Likely pathogenic (1); Uncertain significance (2). Last evaluated 2024-06-26.

Conditions:
Episodic ataxia type 2 (EA2). Also called: ATAXIA, EPISODIC, WITH NYSTAGMUS; ATAXIA, FAMILIAL PAROXYSMAL; CEREBELLAR ATAXIA, PAROXYSMAL, ACETAZOLAMIDE-RESPONSIVE; CEREBELLOPATHY, HEREDITARY PAROXYSMAL; ACETAZOLAMIDE-RESPONSIVE HEREDITARY PAROXYSMAL CEREBELLAR ATAXIA; EPISODIC ATAXIA, NYSTAGMUS-ASSOCIATED. Identifiers: Orphanet 97, MedGen C1720416, MONDO:0007163, OMIM 108500.
Developmental and epileptic encephalopathy, 42 (DEE42A). Also called: EPILEPTIC ENCEPHALOPATHY, EARLY INFANTILE, 42A; Epileptic encephalopathy, early infantile, 42; DEVELOPMENTAL AND EPILEPTIC ENCEPHALOPATHY 42A. Identifiers: MedGen C4310716, MONDO:0014917, OMIM 617106.
Inborn genetic diseases. Identifiers: MedGen C0950123, MeSH D030342.

Allele frequency attached by ClinVar (database versions not stated): gnomAD exomes below 0.00001.
gnomAD v4.1: 1 of 1,570,910 alleles (0.000064%); highest among the groups gnomAD compares: Non-Finnish European, 0.000086%; no homozygotes.

Submissions (3):

Ambry Genetics
Classification: Uncertain significance for Inborn genetic diseases. Last evaluated: 2024-06-26. Review status: criteria provided, single submitter. Criteria: Ambry Variant Classification Scheme 2023. Collection method: clinical testing. Allele origin: germline.

Institute of Human Genetics, University of Leipzig Medical Center
Classification: Likely pathogenic for Developmental and epileptic encephalopathy, 42. Last evaluated: 2023-05-12. Review status: criteria provided, single submitter. Criteria: ACMG Guidelines, 2015. Collection method: clinical testing. Allele origin: de novo. Inheritance: Autosomal dominant inheritance. Affected: yes.
Comment: Detected in a mosaic state (mosaicism 40-45%). Criteria applied: PS2,PM1,PS4_SUP,PM2_SUP,PP3

Labcorp Genetics (formerly Invitae), Labcorp
Classification: Uncertain significance for Developmental and epileptic encephalopathy, 42; Episodic ataxia type 2. Last evaluated: 2022-05-13. Review status: criteria provided, single submitter. Criteria: Invitae Variant Classification Sherloc (09022015). Collection method: clinical testing. Allele origin: germline.
Comment: In summary, the available evidence is currently insufficient to determine the role of this variant in disease. Therefore, it has been classified as a Variant of Uncertain Significance. Algorithms developed to predict the effect of missense changes on protein structure and function are either unavailable or do not agree on the potential impact of this missense change (SIFT: "Deleterious"; PolyPhen-2: "Benign"; Align-GVGD: "Class C0"). This variant has not been reported in the literature in individuals affected with CACNA1A-related conditions. This variant is not present in population databases (gnomAD no frequency). This sequence change replaces alanine, which is neutral and non-polar, with valine, which is neutral and non-polar, at codon 183 of the CACNA1A protein (p.Ala183Val).